The following is an entry in ClinVar:

NM_000440.3(PDE6A):c.1957C>T (p.Arg653Ter)

Gene: PDE6A (phosphodiesterase 6A; minus strand). Cytogenetic location: 5q32.
Variant type: single nucleotide variant.
Coding change: c.1957C>T on transcript NM_000440.3 (MANE Select); coding-DNA position 1957, C replaced by T.
Protein change: p.Arg653Ter; replaces arginine 653 with a stop codon.
Molecular consequence: nonsense.
Genome position (GRCh38, 1-based): chr5:149,884,549, G>A on the plus strand (C>T on the coding strand, the complement: PDE6A is on the minus strand). VCF-style: chr5-149884549-G-A. GRCh37 (hg19) VCF-style: chr5-149264112-G-A.
Other names: NP_000431.2:p.(Arg653Ter); short protein forms R653*.
Identifiers: ClinVar variation 437983 (VCV000437983.60), dbSNP rs753942596, ClinGen allele CA3504453.

ClinVar aggregate classification (germline): Pathogenic. Review status: criteria provided, multiple submitters, no conflicts (2 of 4 stars). 14 submissions from 14 submitters: Pathogenic (12). 2 of the submissions do not count toward it. Last evaluated 2026-09-10.

Conditions:
Retinitis pigmentosa (RP). Identifiers: Orphanet 791, MedGen C0035334, MeSH D012174, MONDO:0019200, OMIM 268000. Inheritance: Autosomal dominant, autosomal recessive and X linked inheritance.
PDE6A-related disorder. Also called: PDE6A-related condition.
Retinal dystrophy. Also called: Inherited retinal dystrophy. Identifiers: Orphanet 71862, MedGen C0854723, MeSH D058499, MONDO:0019118, HP:0000556.
Inborn genetic diseases. Identifiers: MedGen C0950123, MeSH D030342.
Retinal disorder. Also called: Retinopathy; Retinal disorders; Retinopathies; Retinal Diseases. Identifiers: MedGen C0035309, MONDO:0005283, HP:0000488.
Retinitis pigmentosa 43 (RP43). Identifiers: Orphanet 791, MedGen C3151139, MONDO:0013437, OMIM 613810.

Allele frequency attached by ClinVar (database versions not stated): gnomAD 0.00001; gnomAD exomes 0.00002 and 0.00003; TOPMed 0.00002; ExAC 0.00003.
gnomAD v4.1: 29 of 1,613,584 alleles (0.0018%); highest among the groups gnomAD compares: East Asian, 0.016%; no homozygotes.

Submissions (14):

North West Genomic Laboratory Hub, Manchester University NHS Foundation Trust
Classification: Pathogenic for Retinal disorders. Last evaluated: 2026-09-10. Review status: criteria provided, single submitter. Criteria: ACGS Best Practice Guidelines for Variant Classification in Rare Disease 2024. Collection method: clinical testing. Allele origin: germline. Affected: yes.
Comment: PM2_Mod PVS1_VStr

Labcorp Genetics (formerly Invitae), Labcorp
Classification: Pathogenic. Last evaluated: 2025-08-01. Review status: criteria provided, single submitter. Criteria: Invitae Variant Classification Sherloc (09022015). Collection method: clinical testing. Allele origin: germline.
Comment: This sequence change creates a premature translational stop signal (p.Arg653*) in the PDE6A gene. It is expected to result in an absent or disrupted protein product. Loss-of-function variants in PDE6A are known to be pathogenic (PMID: 7493036, 22128245, 23847139). This variant is present in population databases (rs753942596, gnomAD 0.009%). This premature translational stop signal has been observed in individual(s) with retinitis pigmentosa (PMID: 26806561, 29693493, 30619975). In at least one individual the data is consistent with being in trans (on the opposite chromosome) from a pathogenic variant. ClinVar contains an entry for this variant (Variation ID: 437983). For these reasons, this variant has been classified as Pathogenic.

Blueprint Genetics
Classification: Pathogenic for PDE6A-related disorders. Last evaluated: 2024-10-23. Review status: criteria provided, single submitter. Criteria: ACMG Guidelines, 2015. Collection method: clinical testing. Allele origin: germline. Affected: yes. Observed: 3 variant alleles.

Ophthalmic Genetics Group, Institute of Molecular and Clinical Ophthalmology Basel
Classification: Pathogenic for Retinitis pigmentosa. Last evaluated: 2023-07-24. Review status: criteria provided, single submitter. Criteria: ACMG Guidelines, 2015. Collection method: research. Allele origin: germline. Affected: yes. Observed: 1 variant allele.
Comment: Clinical significance based on ACMG v2.0

This variant was classified as Pathogenic based on ACMG criteria: PVS1, PM2, PS4, PP5.

3billion
Classification: Pathogenic for Retinitis pigmentosa 43. Last evaluated: 2023-06-23. Review status: criteria provided, single submitter. Criteria: ACMG Guidelines, 2015. Collection method: clinical testing. Allele origin: germline. Affected: yes.
Comment: The variant is observed at an extremely low frequency in the gnomAD v2.1.1 dataset (total allele frequency: 0.003%). Predicted Consequence/Location: Stop-gained (nonsense): predicted to result in a loss or disruption of normal protein function through nonsense-mediated decay (NMD) or protein truncation. Multiple pathogenic variants are reported downstream of the variant. The variant has been reported at least twice as pathogenic with clinical assertions and evidence for the classification (ClinVar ID: VCV000437983 /PMID: 26806561 /3billion dataset). Therefore, this variant is classified as Pathogenic according to the recommendation of ACMG/AMP guideline.

Institute of Medical Genetics and Applied Genomics, University Hospital Tübingen
Classification: Pathogenic. Last evaluated: 2020-10-23. Review status: criteria provided, single submitter. Criteria: ACMG Guidelines, 2015. Collection method: clinical testing. Allele origin: germline. Inheritance: Autosomal recessive inheritance. Affected: yes.

Institute of Human Genetics, Univ. Regensburg, Univ. Regensburg
Classification: Pathogenic for Retinal dystrophy. Last evaluated: 2020-01-01. Review status: criteria provided, single submitter. Criteria: ACMG Guidelines, 2015. Collection method: clinical testing. Allele origin: germline. Affected: yes.

Mendelics
Classification: Pathogenic for Retinitis pigmentosa. Last evaluated: 2019-05-28. Review status: criteria provided, single submitter. Criteria: Mendelics Assertion Criteria 2017. Collection method: clinical testing. Allele origin: unknown.

GeneDx
Classification: Pathogenic. Last evaluated: 2018-01-26. Review status: criteria provided, single submitter. Criteria: GeneDx Variant Classification (06012015). Collection method: clinical testing. Allele origin: germline. Affected: yes.
Comment: The R653X variant has been published as a homozygous pathogenic variant in a patient diagnosed with autosomal recessive retinitis pigmentosa (Perez-Carro et al., 2016). The R653X variant is not observed at a significant frequency in large population cohorts (Lek et al., 2016). The R653X nonsense variant in the PDE6A gene is predicted to cause loss of normal protein function either through protein truncation or nonsense-mediated mRNA decay. This variant is interpreted to be pathogenic.

Ambry Genetics
Classification: Pathogenic for Inborn genetic diseases. Last evaluated: 2017-06-16. Review status: criteria provided, single submitter. Criteria: Ambry exome assertion method (8-5-2015). Collection method: clinical testing. Allele origin: germline. Affected: yes. Observed: 1 variant allele.

CeGaT Center for Human Genetics Tuebingen
Classification: Pathogenic. Last evaluated: 2016-09-01. Review status: criteria provided, single submitter. Criteria: CeGaT Center For Human Genetics Tuebingen Variant Classification Criteria Version 2. Collection method: clinical testing. Allele origin: germline. Affected: yes. Observed: 1 variant allele.

Clinical Genetics Service, Universitary Hospital 12 de Octubre
Classification: Pathogenic for Retinitis pigmentosa 43. Review status: criteria provided, single submitter. Criteria: ACMG Guidelines, 2015. Collection method: clinical testing. Allele origin: germline. Affected: yes.

Sharon lab, Hadassah-Hebrew University Medical Center
Classification: Pathogenic for Retinitis pigmentosa. Last evaluated: 2019-06-23. Review status: no assertion criteria provided. Collection method: research. Allele origin: inherited. Affected: yes. Not counted in ClinVar's aggregate classification.

NIHR Bioresource Rare Diseases, University of Cambridge
Classification: Likely pathogenic for Retinitis pigmentosa. Last evaluated: 2015-01-01. Review status: no assertion criteria provided. Collection method: research. Allele origin: unknown. Affected: yes. Observed: 2 variant alleles. Not counted in ClinVar's aggregate classification.

Literature cited by the submitters: PubMed 7493036 (cited by Labcorp Genetics (formerly Invitae), Labcorp); PubMed 22128245 (cited by Labcorp Genetics (formerly Invitae), Labcorp); PubMed 23847139 (cited by Labcorp Genetics (formerly Invitae), Labcorp); PubMed 26806561 (cited by 4 submitters); PubMed 29693493 (cited by Labcorp Genetics (formerly Invitae), Labcorp and Institute of Human Genetics, Univ. Regensburg, Univ. Regensburg); PubMed 30619975 (cited by Labcorp Genetics (formerly Invitae), Labcorp and Institute of Human Genetics, Univ. Regensburg, Univ. Regensburg); PubMed 36909829 (cited by Ophthalmic Genetics Group, Institute of Molecular and Clinical Ophthalmology Basel); PubMed 30337596 (cited by Institute of Human Genetics, Univ. Regensburg, Univ. Regensburg); PubMed 31589614 (cited by Institute of Human Genetics, Univ. Regensburg, Univ. Regensburg); PubMed 31964843 (cited by Institute of Human Genetics, Univ. Regensburg, Univ. Regensburg); PubMed 33090715 (cited by Institute of Human Genetics, Univ. Regensburg, Univ. Regensburg); PubMed 31456290 (cited by Institute of Human Genetics, Univ. Regensburg, Univ. Regensburg); PubMed 32581362 (cited by Institute of Human Genetics, Univ. Regensburg, Univ. Regensburg); PubMed 32531858 (cited by Institute of Human Genetics, Univ. Regensburg, Univ. Regensburg); PubMed 32037395 (cited by Institute of Human Genetics, Univ. Regensburg, Univ. Regensburg); PubMed 33946315 (cited by Institute of Human Genetics, Univ. Regensburg, Univ. Regensburg); PubMed 36284460 (cited by Institute of Human Genetics, Univ. Regensburg, Univ. Regensburg); PubMed 28041643 (cited by NIHR Bioresource Rare Diseases, University of Cambridge).